The following is an entry in ClinVar:

NM_003872.3(NRP2):c.2692A>G (p.Thr898Ala)

Gene: NRP2 (neuropilin 2; plus strand). Cytogenetic location: 2q33.3.
Variant type: single nucleotide variant.
Coding change: c.2692A>G on transcript NM_003872.3 (MANE Select); coding-DNA position 2692, A replaced by G.
Protein change: p.Thr898Ala; replaces threonine 898 with alanine.
Molecular consequence: missense variant.
Genome position (GRCh38, 1-based): chr2:205,794,969, A>G. VCF-style: chr2-205794969-A-G. GRCh37 (hg19) VCF-style: chr2-206659693-A-G.
Other names: c.2707A>G, p.Thr903Ala (NM_201266.2); c.2641A>G, p.Thr881Ala (NM_201279.2); short protein forms T881A, T898A, T903A.
Identifiers: ClinVar variation 3358416 (VCV003358416.2).

ClinVar aggregate classification (germline): Uncertain significance (1 of 4 stars; one submission).

Conditions:
NRP2-related disorder. Also called: NRP2-related condition.

Submission:

PreventionGenetics, part of Exact Sciences
Classification: Uncertain significance for NRP2-related condition. Last evaluated: 2026-02-23. Review status: criteria provided, single submitter. Criteria: ACMG Guidelines, 2015. Collection method: clinical testing. Allele origin: germline.
Comment: The NRP2 c.2707A>G variant is predicted to result in the amino acid substitution p.Thr903Ala. To our knowledge, this variant has not been reported in the literature. This variant is reported in 0.018% of alleles in individuals of African descent in gnomAD. At this time, the clinical significance of this variant is uncertain due to the absence of conclusive functional and genetic evidence.